The following is an entry in ClinVar:

ClinVar aggregate classification (germline): Benign. Review status: criteria provided, multiple submitters, no conflicts (2 of 4 stars). 4 submissions from 4 submitters: Benign (4). Last evaluated 2026-01-26.

Conditions:
ALG3-congenital disorder of glycosylation. Also called: CONGENITAL DISORDER OF GLYCOSYLATION, TYPE Id; CDG Id; CARBOHYDRATE-DEFICIENT GLYCOPROTEIN SYNDROME, TYPE IV; CDGS, TYPE IV; ALG3-CDG. Identifiers: Orphanet 79321, MedGen C1832736, MONDO:0010998, OMIM 601110.

Allele frequency attached by ClinVar (database versions not stated): gnomAD exomes 0.00381 and 0.00933; ExAC 0.01190; gnomAD 0.03853 and 0.04116; ESP Exome Variant Server 0.03975; TOPMed 0.04311; 1000 Genomes Project 0.04932; 1000 Genomes Project 30x 0.05278.
gnomAD v4.1: 11,633 of 1,613,624 alleles (0.72%); highest among the groups gnomAD compares: African/African-American, 14%; 701 homozygotes.

Submissions (4):

Labcorp Genetics (formerly Invitae), Labcorp
Classification: Benign for ALG3-congenital disorder of glycosylation. Last evaluated: 2026-01-26. Review status: criteria provided, single submitter. Criteria: Invitae Variant Classification Sherloc (09022015). Collection method: clinical testing. Allele origin: germline.

Illumina Laboratory Services, Illumina
Classification: Benign for ALG3-congenital disorder of glycosylation. Last evaluated: 2018-01-13. Review status: criteria provided, single submitter. Criteria: ICSL Variant Classification Criteria 13 December 2019. Collection method: clinical testing. Allele origin: germline.
Comment: This variant was observed in the ICSL laboratory as part of a predisposition screen in an ostensibly healthy population. It had not been previously curated by ICSL or reported in the Human Gene Mutation Database (HGMD: prior to June 1st, 2018), and was therefore a candidate for classification through an automated scoring system. Utilizing variant allele frequency, disease prevalence and penetrance estimates, and inheritance mode, an automated score was calculated to assess if this variant is too frequent to cause the disease. Based on the score and internal cut-off values, a variant classified as benign is not then subjected to further curation. The score for this variant resulted in a classification of benign for this disease.

GeneDx
Classification: Benign. Last evaluated: 2015-12-23. Review status: criteria provided, single submitter. Criteria: GeneDx Variant Classification (06012015). Collection method: clinical testing. Allele origin: germline. Affected: yes.
Comment: This variant is considered likely benign or benign based on one or more of the following criteria: it is a conservative change, it occurs at a poorly conserved position in the protein, it is predicted to be benign by multiple in silico algorithms, and/or has population frequency not consistent with disease.

Breakthrough Genomics
Classification: Benign. Review status: criteria provided, single submitter. Criteria: ACMG Guidelines, 2015. Collection method: not provided. Allele origin: germline. Inheritance: Autosomal recessive inheritance. Affected: yes.

NM_005787.6(ALG3):c.591T>C (p.Gly197=)

Gene: ALG3 (ALG3 alpha-1,3- mannosyltransferase; minus strand). Cytogenetic location: 3q27.1.
Variant type: single nucleotide variant.
Coding change: c.591T>C on transcript NM_005787.6 (MANE Select); coding-DNA position 591, T replaced by C.
Protein change: p.Gly197=; no amino-acid change (glycine 197 retained).
Molecular consequence: synonymous variant. On other transcripts: non-coding transcript variant (2).
Genome position (GRCh38, 1-based): chr3:184,245,212, A>G on the plus strand (T>C on the coding strand, the complement: ALG3 is on the minus strand). VCF-style: chr3-184245212-A-G. GRCh37 (hg19) VCF-style: chr3-183963000-A-G.
Other names: c.447T>C, p.Gly149= (NM_001006941.2).
Identifiers: ClinVar variation 344355 (VCV000344355.13), dbSNP rs2233464, ClinGen allele CA2729496.